The following is an entry in ClinVar:

ClinVar aggregate classification (germline): Uncertain significance (1 of 4 stars; one submission).

Submission:

GeneDx
Classification: Uncertain significance. Last evaluated: 2020-01-23. Review status: criteria provided, single submitter. Criteria: GeneDx Variant Classification Process June 2021. Collection method: clinical testing. Allele origin: germline. Affected: yes.
Comment: Has not been previously published as pathogenic or benign to our knowledge; Not observed in large population cohorts (Lek et al., 2016); In silico analysis, which includes protein predictors and evolutionary conservation, supports that this variant does not alter protein structure/function

NM_001032283.3(TMPO):c.565+1311C>A

Gene: TMPO (thymopoietin; plus strand). Cytogenetic location: 12q23.1.
Variant type: single nucleotide variant.
Coding change: c.565+1311C>A on transcript NM_001032283.3 (MANE Select); 1311 bases into the intron after coding-DNA position 565, C replaced by A.
Molecular consequence: intron variant. On other transcripts: missense variant (1).
Genome position (GRCh38, 1-based): chr12:98,533,149, C>A. VCF-style: chr12-98533149-C-A. GRCh37 (hg19) VCF-style: chr12-98926927-C-A.
Other names: c.892C>A, p.Pro298Thr (NM_003276.2); c.565+1311C>A (NM_001307975.2, NM_001032284.3); short protein forms P298T.
Identifiers: ClinVar variation 1313603 (VCV001313603.2), dbSNP rs2121203659, ClinGen allele CA386152033.